The following is an entry in ClinVar:

ClinVar aggregate classification (germline): Benign/Likely benign. Review status: criteria provided, multiple submitters, no conflicts (2 of 4 stars). 7 submissions from 7 submitters: Benign (1); Likely benign (4). 2 of the submissions do not count toward it. Last evaluated 2026-09-01.

Allele frequency attached by ClinVar (database versions not stated): gnomAD exomes 0.00031 and 0.00090; ExAC 0.00096; 1000 Genomes Project 30x 0.00156; 1000 Genomes Project 0.00160; gnomAD 0.00358 and 0.00403; TOPMed 0.00428; ESP Exome Variant Server 0.00498.

Submissions (7):

CeGaT Center for Human Genetics Tuebingen
Classification: Likely benign. Last evaluated: 2026-09-01. Review status: criteria provided, single submitter. Criteria: CeGaT Center For Human Genetics Tuebingen Variant Classification Criteria Version 2. Collection method: clinical testing. Allele origin: germline. Affected: yes. Observed: 3 variant alleles.
Comment: CFB: BP4, BS1

Labcorp Genetics (formerly Invitae), Labcorp
Classification: Benign. Last evaluated: 2026-02-01. Review status: criteria provided, single submitter. Criteria: Invitae Variant Classification Sherloc (09022015). Collection method: clinical testing. Allele origin: germline.

Women's Health and Genetics/Laboratory Corporation of America, LabCorp
Classification: Likely benign. Last evaluated: 2026-01-22. Review status: criteria provided, single submitter. Criteria: LabCorp Variant Classification Summary - May 2015. Collection method: clinical testing. Allele origin: germline.

Mayo Clinic Laboratories, Mayo Clinic
Classification: Likely benign. Last evaluated: 2025-02-24. Review status: criteria provided, single submitter. Criteria: ACMG Guidelines, 2015. Collection method: clinical testing. Allele origin: germline. Observed: 15 variant alleles.
Comment: BP4, BP7

Blueprint Genetics
Classification: Likely benign. Last evaluated: 2024-11-11. Review status: criteria provided, single submitter. Criteria: ACMG Guidelines, 2015. Collection method: clinical testing. Allele origin: germline.

Genome Diagnostics Laboratory, University Medical Center Utrecht
Classification: Likely benign. Review status: no assertion criteria provided. Collection method: clinical testing. Allele origin: germline. Affected: yes. Study: VKGL Data-share Consensus. Not counted in ClinVar's aggregate classification.

Joint Genome Diagnostic Labs from Nijmegen and Maastricht, Radboudumc and MUMC+
Classification: Likely benign. Review status: no assertion criteria provided. Collection method: clinical testing. Allele origin: germline. Affected: yes. Study: VKGL Data-share Consensus. Not counted in ClinVar's aggregate classification.

NM_001710.6(CFB):c.1408+7A>C

Gene: CFB (complement factor B; plus strand). Cytogenetic location: 6p21.33.
Variant type: single nucleotide variant.
Coding change: c.1408+7A>C on transcript NM_001710.6 (MANE Select); 7 bases into the intron after coding-DNA position 1408, A replaced by C.
Molecular consequence: intron variant.
Genome position (GRCh38, 1-based): chr6:31,949,564, A>C. VCF-style: chr6-31949564-A-C. GRCh37 (hg19) VCF-style: chr6-31917341-A-C.
Other names: p.?.
Identifiers: ClinVar variation 1165994 (VCV001165994.36), dbSNP rs4151656, ClinGen allele CA3728317.
Genomic context (GRCh38, chr6:31,949,564, plus strand): 5'-TGTTCAAAGTCAAGGATATGGAAAACCTGGAAGATGTTTTCTACCAAATGATCGGTAGGG[A>C]GATACAAGGGAATAAAGAACACAACTCTCCTCAGGTTCCCCTGAAGTAATTCATTCTTCC-3'